The following is an entry in ClinVar:

ClinVar aggregate classification (germline): Uncertain significance (1 of 4 stars; one submission).

Conditions:
Jeune thoracic dystrophy. Also called: Jeune syndrome; Infantile thoracic dystrophy; Thoracic pelvic phalangeal dystrophy; Jeune's syndrome; Chondroectodermal dysplasia-like syndrome; Short-rib thoracic dysplasia. Identifiers: Orphanet 474, MedGen C0265275, MONDO:0018770.

Allele frequency attached by ClinVar (database versions not stated): gnomAD exomes 0.00001; ExAC 0.00003; gnomAD 0.00003; TOPMed 0.00003.
gnomAD v4.1: 9 of 1,613,082 alleles (0.00056%); highest among the groups gnomAD compares: Admixed American, 0.015%; no homozygotes.

Submission:

Labcorp Genetics (formerly Invitae), Labcorp
Classification: Uncertain significance for Jeune thoracic dystrophy. Last evaluated: 2021-12-19. Review status: criteria provided, single submitter. Criteria: Invitae Variant Classification Sherloc (09022015). Collection method: clinical testing. Allele origin: germline.
Comment: This sequence change replaces isoleucine, which is neutral and non-polar, with threonine, which is neutral and polar, at codon 807 of the DYNC2H1 protein (p.Ile807Thr). This variant is present in population databases (rs773627405, gnomAD 0.02%). This variant has not been reported in the literature in individuals affected with DYNC2H1-related conditions. Algorithms developed to predict the effect of missense changes on protein structure and function (SIFT, PolyPhen-2, Align-GVGD) all suggest that this variant is likely to be disruptive. In summary, the available evidence is currently insufficient to determine the role of this variant in disease. Therefore, it has been classified as a Variant of Uncertain Significance.

NM_001377.3(DYNC2H1):c.2420T>C (p.Ile807Thr)

Gene: DYNC2H1 (dynein cytoplasmic 2 heavy chain 1; plus strand). Cytogenetic location: 11q22.3.
Variant type: single nucleotide variant.
Coding change: c.2420T>C on transcript NM_001377.3 (MANE Select); coding-DNA position 2420, T replaced by C.
Protein change: p.Ile807Thr; replaces isoleucine 807 with threonine.
Molecular consequence: missense variant.
Genome position (GRCh38, 1-based): chr11:103,135,794, T>C. VCF-style: chr11-103135794-T-C. GRCh37 (hg19) VCF-style: chr11-103006523-T-C.
Other names: c.2420T>C, p.Ile807Thr (NM_001080463.2); short protein forms I807T.
Identifiers: ClinVar variation 1979786 (VCV001979786.1), dbSNP rs773627405, ClinGen allele CA6253035.